The following is an entry in ClinVar:

NM_006922.4(SCN3A):c.1838T>C (p.Val613Ala)

Gene: SCN3A (sodium voltage-gated channel alpha subunit 3; minus strand). Cytogenetic location: 2q24.3.
Variant type: single nucleotide variant.
Coding change: c.1838T>C on transcript NM_006922.4 (MANE Select); coding-DNA position 1838, T replaced by C.
Protein change: p.Val613Ala; replaces valine 613 with alanine.
Molecular consequence: missense variant.
Genome position (GRCh38, 1-based): chr2:165,140,832, A>G on the plus strand (T>C on the coding strand, the complement: SCN3A is on the minus strand). VCF-style: chr2-165140832-A-G. GRCh37 (hg19) VCF-style: chr2-165997342-A-G.
Other names: c.1838T>C, p.Val613Ala (NM_001081676.2, NM_001081677.2); short protein forms V613A.
Identifiers: ClinVar variation 4979401 (VCV004979401.1).

ClinVar aggregate classification (germline): Uncertain significance (1 of 4 stars; one submission).

Conditions:
SCN3A-related disorder. Also called: SCN3A-related condition.

gnomAD v4.1: 2 of 1,614,140 alleles (0.00012%); highest among the groups gnomAD compares: African/African-American, 0.0027%; no homozygotes.

Submission:

PreventionGenetics, part of Exact Sciences
Classification: Uncertain significance for SCN3A-related condition. Last evaluated: 2024-11-06. Review status: criteria provided, single submitter. Criteria: ACMG Guidelines, 2015. Collection method: clinical testing. Allele origin: germline.
Comment: The SCN3A c.1838T>C variant is predicted to result in the amino acid substitution p.Val613Ala. To our knowledge, this variant has not been reported in the literature or in a large population database (gnomAD), indicating this variant is rare. At this time, the clinical significance of this variant is uncertain due to the absence of conclusive functional and genetic evidence.